The following is an entry in ClinVar:

ClinVar aggregate classification (germline): Likely benign (1 of 4 stars; one submission).

Submission:

CeGaT Center for Human Genetics Tuebingen
Classification: Likely benign. Last evaluated: 2023-10-01. Review status: criteria provided, single submitter. Criteria: CeGaT Center For Human Genetics Tuebingen Variant Classification Criteria Version 2. Collection method: clinical testing. Allele origin: germline. Affected: yes. Observed: 1 variant allele.
Comment: RFT1: PM2:Supporting, BP4, BP7

NM_052859.4(RFT1):c.1179T>C (p.Phe393=)

Gene: RFT1 (RFT1 glycolipid translocator homolog; minus strand). Cytogenetic location: 3p21.1.
Variant type: single nucleotide variant.
Coding change: c.1179T>C on transcript NM_052859.4 (MANE Select); coding-DNA position 1179, T replaced by C.
Protein change: p.Phe393=; no amino-acid change (phenylalanine 393 retained).
Molecular consequence: synonymous variant.
Genome position (GRCh38, 1-based): chr3:53,099,410, A>G on the plus strand (T>C on the coding strand, the complement: RFT1 is on the minus strand). VCF-style: chr3-53099410-A-G. GRCh37 (hg19) VCF-style: chr3-53133426-A-G.
Identifiers: ClinVar variation 2653901 (VCV002653901.24), dbSNP rs2470953664, ClinGen allele CA433793470.
Genomic context (GRCh38, chr3:53,099,410, plus strand): 5'-TGATTAAAGGTGTACCTGCTAGGTTACCCACCTGTCGACCTCCTCTTTGCTCATGGCAGC[A>G]AATGTGAAACACTCTGTCACTCCATTGATGGCAAGCAGGAGAACATAGAGACAGTAGGAA-3'
Protein context (NP_443091.1, residues 383-403): AINGVTECFT[Phe393=]AAMSKEEVDR